The following is an entry in ClinVar:

NM_000875.5(IGF1R):c.*4529T>C

Gene: IGF1R (insulin like growth factor 1 receptor; plus strand). Cytogenetic location: 15q26.3.
Variant type: single nucleotide variant.
Coding change: c.*4529T>C on transcript NM_000875.5 (MANE Select); 4529 bases downstream of the stop codon, T replaced by C.
Molecular consequence: 3 prime UTR variant.
Genome position (GRCh38, 1-based): chr15:98,961,971, T>C. VCF-style: chr15-98961971-T-C. GRCh37 (hg19) VCF-style: chr15-99505200-T-C.
Other names: c.*4529T>C (NM_001291858.2).
Identifiers: ClinVar variation 317585 (VCV000317585.5), dbSNP rs149893400, ClinGen allele CA10647595.

ClinVar aggregate classification (germline): Likely benign (1 of 4 stars; one submission).

Conditions:
Growth delay due to insulin-like growth factor I resistance. Also called: Somatomedin end-organ insensitivity to; Somatomedin-c resistance to; IGF-1 resistance; IGF-I RESISTANCE; Insulin-Like Growth Factor I Resistance. Identifiers: Orphanet 73273, MedGen C1849157, MONDO:0010038, OMIM 270450.

Allele frequency attached by ClinVar (database versions not stated): gnomAD 0.00035; 1000 Genomes Project 30x 0.00047; TOPMed 0.00053; 1000 Genomes Project 0.00060.
gnomAD v4.1: 302 of 233,316 alleles (0.13%); highest among the groups gnomAD compares: East Asian, 1.5%; 5 homozygotes.

Submission:

Illumina Laboratory Services, Illumina
Classification: Likely benign for Growth delay due to insulin-like growth factor I resistance. Last evaluated: 2018-01-12. Review status: criteria provided, single submitter. Criteria: ICSL Variant Classification Criteria 13 December 2019. Collection method: clinical testing. Allele origin: germline.
Comment: This variant was observed in the ICSL laboratory as part of a predisposition screen in an ostensibly healthy population. It had not been previously curated by ICSL or reported in the Human Gene Mutation Database (HGMD: prior to June 1st, 2018), and was therefore a candidate for classification through an automated scoring system. Utilizing variant allele frequency, disease prevalence and penetrance estimates, and inheritance mode, an automated score was calculated to assess if this variant is too frequent to cause the disease. Based on the score and internal cut-off values, a variant classified as likely benign is not then subjected to further curation. The score for this variant resulted in a classification of likely benign for this disease.